The following is an entry in ClinVar:

NM_199420.4(POLQ):c.2713C>T (p.His905Tyr)

Gene: POLQ (DNA polymerase theta; minus strand). Cytogenetic location: 3q13.33.
Variant type: single nucleotide variant.
Coding change: c.2713C>T on transcript NM_199420.4 (MANE Select); coding-DNA position 2713, C replaced by T.
Protein change: p.His905Tyr; replaces histidine 905 with tyrosine.
Molecular consequence: missense variant.
Genome position (GRCh38, 1-based): chr3:121,490,218, G>A on the plus strand (C>T on the coding strand, the complement: POLQ is on the minus strand). VCF-style: chr3-121490218-G-A. GRCh37 (hg19) VCF-style: chr3-121209065-G-A.
Other names: short protein forms H905Y.
Identifiers: ClinVar variation 2561731 (VCV002561731.2), dbSNP rs2048055822, ClinGen allele CA354105014.
Genomic context (GRCh38, chr3:121,490,218, plus strand): 5'-ATATAAATGTGTGTTCCTTTACTTCGGACTCACTATGAGTCAATGAGCATGTACTAGAAT[G>A]TAACAGGGCACATGGATTCCATTGCACTCCCATTTCAACTAAGTCCTGCTGCAGAATCAT-3'
Protein context (NP_955452.3, residues 895-915): GVQWNPCALL[His905Tyr]SSTCSLTHSE

ClinVar aggregate classification (germline): Uncertain significance (1 of 4 stars; one submission).

Allele frequency attached by ClinVar (database versions not stated): gnomAD exomes below 0.00001; gnomAD 0.00001.
gnomAD v4.1: 2 of 1,613,994 alleles (0.00012%); highest among the groups gnomAD compares: Non-Finnish European, 0.00017%; no homozygotes.

Submission:

Ambry Genetics
Classification: Uncertain significance. Last evaluated: 2023-04-23. Review status: criteria provided, single submitter. Criteria: Ambry Variant Classification Scheme 2023. Collection method: clinical testing. Allele origin: germline.
Comment: The p.H905Y variant (also known as c.2713C>T), located in coding exon 16 of the POLQ gene, results from a C to T substitution at nucleotide position 2713. The histidine at codon 905 is replaced by tyrosine, an amino acid with similar properties. This amino acid position is conserved. In addition, this alteration is predicted to be tolerated by in silico analysis. Since supporting evidence is limited at this time, the clinical significance of this alteration remains unclear.